The following is an entry in ClinVar:

NM_017763.6(RNF43):c.627C>G (p.Ile209Met)

Gene: RNF43 (ring finger protein 43; minus strand). Cytogenetic location: 17q22.
Variant type: single nucleotide variant.
Coding change: c.627C>G on transcript NM_017763.6 (MANE Select); coding-DNA position 627, C replaced by G.
Protein change: p.Ile209Met; replaces isoleucine 209 with methionine.
Molecular consequence: missense variant.
Genome position (GRCh38, 1-based): chr17:58,362,604, G>C on the plus strand (C>G on the coding strand, the complement: RNF43 is on the minus strand). VCF-style: chr17-58362604-G-C. GRCh37 (hg19) VCF-style: chr17-56439965-G-C.
Other names: c.627C>G, p.Ile209Met (NM_001305544.3); c.246C>G, p.Ile82Met (NM_001305545.2); short protein forms I209M, I82M.
Identifiers: ClinVar variation 848330 (VCV000848330.10), dbSNP rs142670816, ClinGen allele CA8673363.

ClinVar aggregate classification (germline): Uncertain significance. Review status: criteria provided, multiple submitters, no conflicts (2 of 4 stars). 2 submissions from 2 submitters: Uncertain significance (2). Last evaluated 2025-09-15.

Allele frequency attached by ClinVar (database versions not stated): gnomAD exomes 0.00002 and below 0.00001; TOPMed 0.00002; ESP Exome Variant Server 0.00015; ExAC 0.00001; gnomAD 0.00002.

Submissions (2):

Labcorp Genetics (formerly Invitae), Labcorp
Classification: Uncertain significance. Last evaluated: 2025-09-15. Review status: criteria provided, single submitter. Criteria: Invitae Variant Classification Sherloc (09022015). Collection method: clinical testing. Allele origin: germline.
Comment: This sequence change replaces isoleucine, which is neutral and non-polar, with methionine, which is neutral and non-polar, at codon 209 of the RNF43 protein (p.Ile209Met). This variant is present in population databases (rs142670816, gnomAD 0.0009%). This variant has not been reported in the literature in individuals affected with RNF43-related conditions. ClinVar contains an entry for this variant (Variation ID: 848330). An algorithm developed to predict the effect of missense changes on protein structure and function (PolyPhen-2) suggests that this variant is likely to be disruptive. In summary, the available evidence is currently insufficient to determine the role of this variant in disease. Therefore, it has been classified as a Variant of Uncertain Significance.

GeneDx
Classification: Uncertain significance. Last evaluated: 2023-10-24. Review status: criteria provided, single submitter. Criteria: GeneDx Variant Classification Process June 2021. Collection method: clinical testing. Allele origin: germline. Affected: yes.
Comment: Variants in candidate genes are classified as variants of uncertain significance in accordance with ACMG guidelines (PMID: 25741868); Not observed at significant frequency in large population cohorts (gnomAD); In silico analysis supports that this missense variant does not alter protein structure/function; Has not been previously published as pathogenic or benign to our knowledge